The following is an entry in ClinVar:

NM_000143.4(FH):c.1109-13G>A

Gene: FH (fumarate hydratase; minus strand). Cytogenetic location: 1q43.
Variant type: single nucleotide variant.
Coding change: c.1109-13G>A on transcript NM_000143.4 (MANE Select); 13 bases into the intron before coding-DNA position 1109, G replaced by A.
Molecular consequence: intron variant.
Genome position (GRCh38, 1-based): chr1:241,502,583, C>T on the plus strand (G>A on the coding strand, the complement: FH is on the minus strand). VCF-style: chr1-241502583-C-T. GRCh37 (hg19) VCF-style: chr1-241665883-C-T.
Other names: c.1109-13G>A (NM_000143.3).
Identifiers: ClinVar variation 4539497 (VCV004539497.2).

ClinVar aggregate classification (germline): Uncertain significance. Review status: criteria provided, multiple submitters, no conflicts (2 of 4 stars). 2 submissions from 2 submitters: Uncertain significance (2). Last evaluated 2026-08-06.

Conditions:
Hereditary cancer-predisposing syndrome. Also called: Neoplastic Syndromes, Hereditary; Tumor predisposition; Hereditary Cancer Syndrome; Hereditary neoplastic syndrome. Identifiers: Orphanet 140162, MedGen C0027672, MeSH D009386, MONDO:0015356.

Submissions (2):

Ambry Genetics
Classification: Uncertain significance for Hereditary cancer-predisposing syndrome. Last evaluated: 2026-08-06. Review status: criteria provided, single submitter. Criteria: Ambry Variant Classification Scheme 2023. Collection method: clinical testing. Allele origin: germline.
Comment: The c.1109-13G>A intronic variant results from a G to A substitution 13 nucleotides upstream from coding exon 8 in the FH gene. This nucleotide position is well conserved in available vertebrate species. In silico splice site analysis predicts that this alteration will weaken the native splice acceptor site and will result in the creation or strengthening of a novel splice acceptor site. RNA studies have demonstrated that this variant results in a splice defect; the clinical impact of this abnormal splicing is unknown at this time (Ambry internal data). Based on the available evidence, the clinical significance of this variant remains unclear.

Center for Genomic Medicine, Rigshospitalet, Copenhagen University Hospital
Classification: Uncertain significance. Last evaluated: 2025-12-29. Review status: criteria provided, single submitter. Criteria: ACMG Guidelines, 2015. Collection method: clinical testing. Allele origin: germline.
Comment: Classification criteria: PP3, PM2_supporting